The following is an entry in ClinVar:

NM_007294.4(BRCA1):c.138T>C (p.Phe46=)

Gene: BRCA1 (BRCA1 DNA repair associated; minus strand). Cytogenetic location: 17q21.31.
Variant type: single nucleotide variant.
Coding change: c.138T>C on transcript NM_007294.4 (MANE Select); coding-DNA position 138, T replaced by C.
Protein change: p.Phe46=; no amino-acid change (phenylalanine 46 retained).
Molecular consequence: synonymous variant. On other transcripts: 5 prime UTR variant (163), intron variant (34).
Genome position (GRCh38, 1-based): chr17:43,106,530, A>G on the plus strand (T>C on the coding strand, the complement: BRCA1 is on the minus strand). VCF-style: chr17-43106530-A-G. GRCh37 (hg19) VCF-style: chr17-41258547-A-G.
Other names: c.-51T>C (NM_001407571.1, NM_001407853.1, NM_001407879.1 and 58 more transcripts); c.138T>C, p.Phe46= (NM_001407581.1, NM_001407582.1, NM_001407583.1 and 168 more transcripts); c.-4T>C (NM_001407692.1, NM_001407694.1, NM_001407695.1 and 99 more transcripts); c.-218-11670T>C (NM_001407967.1, NM_001407966.1); c.-169-1574T>C (NM_001407959.1, NM_001407962.1, NM_001408512.1 and 4 more transcripts); c.81-1574T>C (NM_001408451.1); c.135-1574T>C (NM_001408475.1, NM_001407875.1, NM_001407659.1 and 21 more transcripts).
Identifiers: ClinVar variation 868215 (VCV000868215.3), dbSNP rs2054795825, ClinGen allele CA500128247.

Conditions:
Breast-ovarian cancer, familial, susceptibility to, 1 (BROVCA1). Also called: BRCA1 Hereditary Breast and Ovarian Cancer; OVARIAN CANCER, SUSCEPTIBILITY TO. Identifiers: Orphanet 145, MedGen C2676676, MONDO:0011450, OMIM 604370. Disease mechanism: loss of function.

Submission:

Brotman Baty Institute, University of Washington
No classification provided (evidence only). Condition: Breast-ovarian cancer, familial 1. Review status: no classification provided. Collection method: in vitro. Allele origin: not applicable. Functional consequence: functionally_normal.
ClinVar note: "not provided" was previously submitted as the classification for the variant. However, the classification appeared to be based only on an observation of functional data so it was converted to no classification on 2025-07-30.